The following is an entry in ClinVar:

NM_021815.5(SLC5A7):c.1543G>C (p.Asp515His)

Gene: SLC5A7 (solute carrier family 5 member 7; plus strand). Cytogenetic location: 2q12.3.
Variant type: single nucleotide variant.
Coding change: c.1543G>C on transcript NM_021815.5 (MANE Select); coding-DNA position 1543, G replaced by C.
Protein change: p.Asp515His; replaces aspartic acid 515 with histidine.
Molecular consequence: missense variant.
Genome position (GRCh38, 1-based): chr2:108,010,661, G>C. VCF-style: chr2-108010661-G-C. GRCh37 (hg19) VCF-style: chr2-108627117-G-C.
Other names: c.1543G>C, p.Asp515His (NM_001305005.3); c.1228G>C, p.Asp410His (NM_001305006.3); c.802G>C, p.Asp268His (NM_001305007.3); short protein forms D268H, D515H, D410H.
Identifiers: ClinVar variation 2936536 (VCV002936536.3), dbSNP rs2467134225, ClinGen allele CA348114808.
Genomic context (GRCh38, chr2:108,010,661, plus strand): 5'-TCCTATCTAGCCAAGTATCTATTTGAAAGTGGAACCTTGCCACCTAAATTAGATGTATTT[G>C]ATGCTGTTGTTGCAAGACACAGTGAAGAAAACATGGATAAGACAATTCTTGTCAAAAATG-3'
Protein context (NP_068587.1, residues 505-525): GTLPPKLDVF[Asp515His]AVVARHSEEN

ClinVar aggregate classification (germline): Uncertain significance (1 of 4 stars; one submission).

Conditions:
Neuronopathy, distal hereditary motor, type 7A. Also called: SPINAL MUSCULAR ATROPHY, DISTAL, WITH VOCAL CORD PARALYSIS; Neuronopathy, distal hereditary motor, type viia; HARPER-YOUNG MYOPATHY; HMN VIIA; NEURONOPATHY, DISTAL HEREDITARY MOTOR, HARDING TYPE VIIA; NEUROPATHY, DISTAL HEREDITARY MOTOR, HARDING TYPE VIIA. Identifiers: Orphanet 139589, MedGen C1834703, MONDO:0008024, OMIM 158580.
Congenital myasthenic syndrome 20. Also called: Myasthenic syndrome, congenital, 20, presynaptic. Identifiers: MedGen C4310694, MONDO:0014939, OMIM 617143.

Allele frequency attached by ClinVar (database versions not stated): gnomAD exomes below 0.00001.
gnomAD v4.1: 6 of 1,613,926 alleles (0.00037%); highest among the groups gnomAD compares: South Asian, 0.0044%; 1 homozygote.

Submission:

Labcorp Genetics (formerly Invitae), Labcorp
Classification: Uncertain significance for Neuronopathy, distal hereditary motor, type 7A; Congenital myasthenic syndrome 20. Last evaluated: 2022-12-18. Review status: criteria provided, single submitter. Criteria: Invitae Variant Classification Sherloc (09022015). Collection method: clinical testing. Allele origin: germline.
Comment: This sequence change replaces aspartic acid, which is acidic and polar, with histidine, which is basic and polar, at codon 515 of the SLC5A7 protein (p.Asp515His). This variant is not present in population databases (gnomAD no frequency). This variant has not been reported in the literature in individuals affected with SLC5A7-related conditions. Advanced modeling of protein sequence and biophysical properties (such as structural, functional, and spatial information, amino acid conservation, physicochemical variation, residue mobility, and thermodynamic stability) performed at Invitae indicates that this missense variant is not expected to disrupt SLC5A7 protein function. In summary, the available evidence is currently insufficient to determine the role of this variant in disease. Therefore, it has been classified as a Variant of Uncertain Significance.